The following is an entry in ClinVar:

NM_194279.4(ISCA2):c.229G>A (p.Gly77Ser)

Gene: ISCA2 (iron-sulfur cluster assembly 2; plus strand). Cytogenetic location: 14q24.3.
Variant type: single nucleotide variant.
Coding change: c.229G>A on transcript NM_194279.4 (MANE Select); coding-DNA position 229, G replaced by A.
Protein change: p.Gly77Ser; replaces glycine 77 with serine.
Molecular consequence: missense variant. On other transcripts: intron variant (1).
Genome position (GRCh38, 1-based): chr14:74,494,329, G>A. VCF-style: chr14-74494329-G-A. GRCh37 (hg19) VCF-style: chr14-74961032-G-A.
Other names: c.174+177G>A (NM_001272007.2); short protein forms G77S.
Identifiers: ClinVar variation 183353 (VCV000183353.45), dbSNP rs730882246, ClinGen allele CA249967.

ClinVar aggregate classification (germline): Pathogenic/Likely pathogenic. Review status: criteria provided, multiple submitters, no conflicts (2 of 4 stars). 16 submissions from 15 submitters: Pathogenic (9); Likely pathogenic (1). 6 of the submissions do not count toward it. Last evaluated 2025-06-18.

Conditions:
ISCA2-related disorder. Also called: ISCA2-related condition.
Fatal multiple mitochondrial dysfunctions syndrome. Also called: Multiple mitochondrial dysfunctions syndrome. Identifiers: Orphanet 289573, MedGen C3502075, MONDO:0017338.
Multiple mitochondrial dysfunctions syndrome 4 (MMDS4). Also called: ISCA2-Related Mitochondrial Disorder. Identifiers: Orphanet 457406, MedGen C4225348, MONDO:0014611, OMIM 616370.
Neurodegeneration. Also called: Neurodegenerative disease; Neurodegenerative illness; neurodegenerative disorder. Identifiers: MedGen C0027746, MONDO:0005559, HP:0002180.
Global developmental delay (DD). Also called: Cognitive delay. Identifiers: MedGen C0557874, HP:0001263. Disease mechanism: loss of function.
Increased CSF lactate. Identifiers: MedGen C1167918, HP:0002490.
Spastic quadriplegic cerebral palsy. Also called: Slowly progressive spastic quadriparesis; Spastic quadriplegia; Spastic tetraplegia. Identifiers: Orphanet 210141, MedGen C0426970, MONDO:0016215, HP:0002510.
Optic atrophy. Identifiers: MedGen C0029124, MONDO:0003608, HP:0000648.
Death in infancy. Identifiers: MedGen C1858430, HP:0001522.
Axial hypotonia. Also called: Muscular hypotonia of the trunk. Identifiers: MedGen C1853743, HP:0008936.
Failure to thrive. Also called: Pediatric failure to thrive. Identifiers: MedGen C2315100, HP:0001508.

Allele frequency attached by ClinVar (database versions not stated): gnomAD exomes below 0.00001.
gnomAD v4.1: 2 of 1,614,218 alleles (0.00012%); highest among the groups gnomAD compares: Non-Finnish European, 0.00017%; no homozygotes.

Submissions (16):

3billion
Classification: Pathogenic for Multiple mitochondrial dysfunctions syndrome 4. Last evaluated: 2025-06-18. Review status: criteria provided, single submitter. Criteria: ACMG Guidelines, 2015. Collection method: clinical testing. Allele origin: germline. Affected: yes.
Comment: The variant is observed at an extremely low frequency in the gnomAD v4.1.0 dataset (total allele frequency: <0.001%). Predicted Consequence/Location: Missense variant In silico tool predictions suggest damaging effect of the variant on gene or gene product [REVEL: 0.69 (>=0.6, sensitivity 0.68 and specificity 0.92); 3Cnet: 0.94 (> 0.75, sensitivity 0.96 and precision 0.92)]. The same nucleotide change resulting in the same amino acid change has been previously reported as pathogenic/likely pathogenic with strong evidence (ClinVar ID: VCV000183353 /PMID: 25558065). The variant has been observed in multiple (>3) similarly affected unrelated individuals (PMID: 29122497, 29297947). The variant has been reported to be in trans with a pathogenic variant as either compound heterozygous or homozygous in at least one similarly affected unrelated individual (PMID: 29122497, 29297947). Therefore, this variant is classified as Pathogenic according to the recommendation of ACMG/AMP guideline.

Variantyx, Inc.
Classification: Pathogenic for Multiple mitochondrial dysfunctions syndrome 4. Last evaluated: 2025-05-18. Review status: criteria provided, single submitter. Criteria: Variantyx Assertion Criteria 2022. Collection method: clinical testing. Allele origin: germline. Inheritance: Autosomal recessive inheritance. Affected: no.
Comment: This is a nonsynonymous variant in the ISCA2 gene (OMIM: 615317). Pathogenic variants in this gene have been associated with autosomal recessive multiple mitochondrial dysfunctions syndrome 4. This variant has been identified in the homozygous or compound heterozygous state in several individuals reported in the published literature (PMID: 25558065, 29297947, 25539947, 29122497) (PM3). Functional studies have shown that this variant alters ISCA2 protein function (PMID: 25539947) (PS3_Moderate), and multiple computational algorithms predict a deleterious effect for this variant (REVEL score: 0.687) (PP3). This variant has a 0.0002% maximum allele frequency in non-founder control populations (PM2). Based on the current evidence, this variant is classified as pathogenic for autosomal recessive multiple mitochondrial dysfunctions syndrome 4.

Labcorp Genetics (formerly Invitae), Labcorp
Classification: Pathogenic. Last evaluated: 2024-10-22. Review status: criteria provided, single submitter. Criteria: Invitae Variant Classification Sherloc (09022015). Collection method: clinical testing. Allele origin: germline.
Comment: This sequence change replaces glycine, which is neutral and non-polar, with serine, which is neutral and polar, at codon 77 of the ISCA2 protein (p.Gly77Ser). This variant is not present in population databases (gnomAD no frequency). This missense change has been observed in individuals with multiple mitochondrial dysfunctions syndrome (PMID: 25558065, 29122497, 29297947). It has also been observed to segregate with disease in related individuals. ClinVar contains an entry for this variant (Variation ID: 183353). An algorithm developed to predict the effect of missense changes on protein structure and function (PolyPhen-2) suggests that this variant is likely to be disruptive. Experimental studies have shown that this missense change affects ISCA2 function (PMID: 29297947). For these reasons, this variant has been classified as Pathogenic.

Revvity Omics, Revvity
Classification: Pathogenic for Multiple mitochondrial dysfunctions syndrome 4. Last evaluated: 2023-06-14. Review status: criteria provided, single submitter. Criteria: ACMG Guidelines, 2015. Collection method: clinical testing. Allele origin: germline.

Genomic Medicine Center of Excellence, King Faisal Specialist Hospital and Research Centre
Classification: Pathogenic for Multiple mitochondrial dysfunctions syndrome 4. Last evaluated: 2023-05-08. Review status: criteria provided, single submitter. Criteria: ACMG Guidelines, 2015. Collection method: research. Allele origin: germline. Affected: yes.

Blueprint Genetics
Classification: Pathogenic for ISCA2-related disorders. Last evaluated: 2021-01-01. Review status: criteria provided, single submitter. Criteria: ACMG Guidelines, 2015. Collection method: clinical testing. Allele origin: germline. Affected: yes. Observed: 5 variant alleles.

GeneDx
Classification: Pathogenic. Last evaluated: 2020-10-07. Review status: criteria provided, single submitter. Criteria: GeneDx Variant Classification Process June 2021. Collection method: clinical testing. Allele origin: germline. Affected: yes.
Comment: Not observed in large population cohorts (Lek et al., 2016); In silico analysis, which includes protein predictors and evolutionary conservation, supports a deleterious effect; This variant is associated with the following publications: (PMID: 29122497, 25558065, 25539947, 27959697, 29019354, 29297947, 30202406, 31130284, 32552793, 32342562)

Institute of Human Genetics Munich, TUM University Hospital
Classification: Pathogenic for Multiple mitochondrial dysfunctions syndrome 4. Last evaluated: 2017-11-08. Review status: criteria provided, single submitter. Criteria: Classification criteria August 2017. Collection method: clinical testing. Allele origin: germline. Inheritance: Autosomal recessive inheritance. Affected: yes. Observed: 1 homozygote.

Illumina Laboratory Services, Illumina
Classification: Likely pathogenic for Multiple Mitochondrial Dysfunctions Syndrome. Last evaluated: 2016-06-14. Review status: criteria provided, single submitter. Criteria: ICSL Variant Classification 20161018. Collection method: clinical testing. Allele origin: germline.
Comment: The c.229G>A (p.Gly77Ser) variant has been reported in two studies in a total of five multiple mitochondrial dysfunctions syndrome patients from three families, all of whom were found to be homozygous for the variant (Alazami et al. 2015; Al-Hassnan et al. 2015). The p.Gly77Ser variant was shown to segregate with disease across two generations in all three families and to be the result of a founder effect. The variant was absent from 1,060 ethnically matched controls and is not found in the 1000 Genomes Project, the Exome Sequencing Project, or the Exome Aggregation Consortium. The Gly77 residue is highly conserved over 58 different species. Functional studies demonstrated that the p.Gly77Ser variant had only 20% of normal complex I activity and resulted in a significant depletion of mitochondrial DNA copy number in patient fibroblasts. Modelling studies showed that the p.Gly77Ser variant occurs in a loop that is directly involved in iron-sulphur cluster binding. Substitution of the glycine by serine is predicted to affect the stability of the flexibility of the loop and therefore the efficiency of binding to the iron-sulphur cluster (Alazami et al. 2015; Al-Hassnan et al. 2015). Based on the evidence, the p.Gly77Ser variant is classified as likely pathogenic for multiple mitochondrial dysfunctions syndrome.

Pathology and Clinical Laboratory Medicine, King Fahad Medical City
Classification: Pathogenic for Multiple mitochondrial dysfunctions syndrome 4. Review status: criteria provided, single submitter. Criteria: ACMG Guidelines, 2015. Collection method: clinical testing. Allele origin: germline. Affected: yes. Observed: 9 variant alleles.

Clinical Laboratory Sciences Program (CLSP), King Saud bin Abdulaziz University for Health Sciences (KSAU-HS)
Classification: Pathogenic for Multiple mitochondrial dysfunctions syndrome 4. Last evaluated: 2023-04-01. Review status: no assertion criteria provided. Collection method: clinical testing. Allele origin: germline. Affected: yes. Not counted in ClinVar's aggregate classification.

Biochemical Molecular Genetic Laboratory, King Abdulaziz Medical City
Classification: Pathogenic for Multiple mitochondrial dysfunctions syndrome 4. Last evaluated: 2019-09-15. Review status: no assertion criteria provided. Collection method: clinical testing. Allele origin: germline. Affected: yes. Observed: 2 variant alleles. Not counted in ClinVar's aggregate classification.

Baylor Genetics
Classification: Pathogenic for Multiple mitochondrial dysfunctions syndrome 4. Last evaluated: 2016-05-01. Review status: no assertion criteria provided. Collection method: clinical testing. Allele origin: germline. Inheritance: Autosomal recessive inheritance. Affected: yes. Not counted in ClinVar's aggregate classification.

OMIM
Classification: Pathogenic for MULTIPLE MITOCHONDRIAL DYSFUNCTIONS SYNDROME 4. Last evaluated: 2015-03-01. Review status: no assertion criteria provided. Collection method: literature only. Allele origin: germline. Not counted in ClinVar's aggregate classification.

Genomic Medicine Center of Excellence, King Faisal Specialist Hospital and Research Centre
Classification: Likely pathogenic for Neurodegeration; Global developmental delay; Failure to thrive; Spastic quadriplegia; Truncal hypotonia; Optic atrophy; High CSF lactic acid; Infantile death. Last evaluated: 2014-12-01. Review status: no assertion criteria provided. Criteria: research. Collection method: research. Allele origin: germline. Affected: yes. Not counted in ClinVar's aggregate classification.

GeneReviews
No classification provided. Condition: Multiple mitochondrial dysfunctions syndrome 4. Review status: no classification provided. Collection method: literature only. Allele origin: germline. Not counted in ClinVar's aggregate classification.

Literature cited by the submitters: PubMed 29122497 (cited by 4 submitters); PubMed 25558065 (cited by 6 submitters); PubMed 29297947 (cited by 4 submitters); PubMed 25539947 (cited by 5 submitters); PubMed 29470032 (cited by GeneReviews).